The following is an entry in ClinVar:

ClinVar aggregate classification (germline): Pathogenic (1 of 4 stars; one submission).

Submission:

Labcorp Genetics (formerly Invitae), Labcorp
Classification: Pathogenic. Last evaluated: 2023-07-10. Review status: criteria provided, single submitter. Criteria: Invitae Variant Classification Sherloc (09022015). Collection method: clinical testing. Allele origin: germline.
Comment: This sequence change creates a premature translational stop signal (p.Ile16*) in the C9 gene. It is expected to result in an absent or disrupted protein product. Loss-of-function variants in C9 are known to be pathogenic (PMID: 9144525, 9570574). This variant is not present in population databases (gnomAD no frequency). This variant has not been reported in the literature in individuals affected with C9-related conditions. ClinVar contains an entry for this variant (Variation ID: 1927393). For these reasons, this variant has been classified as Pathogenic.

Literature cited by the submitters: PubMed 9144525; PubMed 9570574.

NM_001737.5(C9):c.46del (p.Glu15_Ile16insTer)

Gene: C9 (complement C9; minus strand). Cytogenetic location: 5p13.1.
Variant type: Deletion.
Coding change: c.46del on transcript NM_001737.5 (MANE Select); coding-DNA position 46, one base deleted (A; older notation c.46delA).
Protein change: p.Glu15_Ile16insTer.
Molecular consequence: nonsense.
Genome position (GRCh38, 1-based): chr5:39,364,419, T deleted on the plus strand (A on the coding strand, the reverse complement: C9 is on the minus strand); the first of 3 consecutive T bases (chr5:39,364,419-39,364,421); deleting any one gives the same sequence. VCF-style (leftmost placement, unchanged base first): chr5-39364418-AT-A. GRCh37 (hg19) VCF-style: chr5-39364520-AT-A.
Identifiers: ClinVar variation 1927393 (VCV001927393.5), dbSNP rs1483256607, ClinGen allele CA810487999.